The following is an entry in ClinVar:

NM_005751.5(AKAP9):c.1145A>G (p.Asn382Ser)

Gene: AKAP9 (A-kinase anchoring protein 9; plus strand). Cytogenetic location: 7q21.2.
Variant type: single nucleotide variant.
Coding change: c.1145A>G on transcript NM_005751.5 (MANE Select); coding-DNA position 1145, A replaced by G.
Protein change: p.Asn382Ser; replaces asparagine 382 with serine.
Molecular consequence: missense variant.
Genome position (GRCh38, 1-based): chr7:92,001,062, A>G. VCF-style: chr7-92001062-A-G. GRCh37 (hg19) VCF-style: chr7-91630376-A-G.
Other names: c.1145A>G, p.Asn382Ser (NM_147185.3); short protein forms N382S.
Identifiers: ClinVar variation 1732297 (VCV001732297.5), dbSNP rs760966956, ClinGen allele CA4335963.

ClinVar aggregate classification (germline): Uncertain significance. Review status: criteria provided, multiple submitters, no conflicts (2 of 4 stars). 2 submissions from 2 submitters: Uncertain significance (2). Last evaluated 2024-09-16.

Conditions:
Long QT syndrome (LQTS). Identifiers: MedGen C0023976, MeSH D008133, MONDO:0002442. Disease mechanism: loss of function. Inheritance: Various modes of inheritance.
Cardiovascular phenotype. Identifiers: MedGen CN230736.

Allele frequency attached by ClinVar (database versions not stated): ExAC 0.00001; gnomAD exomes 0.00001.
gnomAD v4.1: 10 of 1,611,956 alleles (0.00062%); highest among the groups gnomAD compares: Non-Finnish European, 0.00085%; no homozygotes.

Submissions (2):

Labcorp Genetics (formerly Invitae), Labcorp
Classification: Uncertain significance for Long QT syndrome. Last evaluated: 2024-09-16. Review status: criteria provided, single submitter. Criteria: Invitae Variant Classification Sherloc (09022015). Collection method: clinical testing. Allele origin: germline.
Comment: This sequence change replaces asparagine, which is neutral and polar, with serine, which is neutral and polar, at codon 382 of the AKAP9 protein (p.Asn382Ser). This variant is present in population databases (rs760966956, gnomAD 0.0009%). This variant has not been reported in the literature in individuals affected with AKAP9-related conditions. ClinVar contains an entry for this variant (Variation ID: 1732297). An algorithm developed to predict the effect of missense changes on protein structure and function outputs the following: PolyPhen-2: "Benign". The serine amino acid residue is found in multiple mammalian species, which suggests that this missense change does not adversely affect protein function. In summary, the available evidence is currently insufficient to determine the role of this variant in disease. Therefore, it has been classified as a Variant of Uncertain Significance.

Ambry Genetics
Classification: Uncertain significance for Cardiovascular phenotype. Last evaluated: 2023-10-10. Review status: criteria provided, single submitter. Criteria: Ambry Variant Classification Scheme 2023. Collection method: clinical testing. Allele origin: germline.
Comment: The p.N382S variant (also known as c.1145A>G), located in coding exon 8 of the AKAP9 gene, results from an A to G substitution at nucleotide position 1145. The asparagine at codon 382 is replaced by serine, an amino acid with highly similar properties. This amino acid position is conserved. In addition, this alteration is predicted to be tolerated by in silico analysis. Since supporting evidence is limited at this time, the clinical significance of this alteration remains unclear.